The following is an entry in ClinVar:

ClinVar aggregate classification (germline): Conflicting classifications of pathogenicity. Review status: criteria provided, conflicting classifications (1 of 4 stars). 2 submissions from 2 submitters: Likely pathogenic (1); Uncertain significance (1). Last evaluated 2025-08-07.

Conditions:
Malignant hyperthermia, susceptibility to, 1 (MHS1). Also called: Anesthesia related hyperthermia; Malignant hyperpyrexia; Fulminating hyperpyrexia; Pharmacogenic myopathy; RYR1-Related Malignant Hyperthermia Susceptibility; Malignant hyperthermia suceptibility 1. Identifiers: Orphanet 423, MedGen C2930980, MONDO:0007783, OMIM 145600.
Congenital multicore myopathy with external ophthalmoplegia (CMYO1B). Also called: MULTICORE MYOPATHY; Minicore myopathy with external ophthalmoplegia; MULTIMINICORE DISEASE WITH EXTERNAL OPHTHALMOPLEGIA; Congenital myopathy 1B, autosomal recessive; Minicore myopathy. Identifiers: Orphanet 598, Orphanet 98905, MedGen C1850674, MONDO:0009712, OMIM 255320, HP:0003789.

Submissions (2):

Variantyx, Inc.
Classification: Likely pathogenic for Congenital multicore myopathy with external ophthalmoplegia. Last evaluated: 2025-08-07. Review status: criteria provided, single submitter. Criteria: Variantyx Assertion Criteria 2022. Collection method: clinical testing. Allele origin: germline. Inheritance: Autosomal recessive inheritance. Affected: yes.
Comment: This is a frameshift variant in the RYR1 gene (OMIM: 180901). Pathogenic variants in this gene have been associated with autosomal recessive congenital myopathy 1B. This variant introduces a premature termination codon in exon 67 out of 106 and is expected to result in loss of function, which is a known disease mechanism for RYR1 in this disorder (PVS1) (PMID:18253926). This variant has a 0.0015% maximum allele frequency in non-founder control populations (PM2). Based on the current evidence, this variant is classified as likely pathogenic for autosomal recessive congenital myopathy 1B.

All of Us Research Program, National Institutes of Health
Classification: Uncertain significance for Malignant hyperthermia, susceptibility to, 1. Last evaluated: 2024-08-06. Review status: criteria provided, single submitter. Criteria: ACMG Guidelines, 2015. Collection method: clinical testing. Allele origin: germline. Inheritance: Autosomal dominant inheritance. Observed: 1 variant allele, 1 heterozygote.
Comment: This study involves interpretation of variants in research participants for the purpose of population health screening. Participant phenotype was not available at the time of variant classification. Additional details can be found in publication PMID: 35346344, PMCID: PMC8962531

Literature cited by the submitters: PubMed 18253926 (cited by Variantyx, Inc.).

NM_000540.3(RYR1):c.10180_10189del (p.Val3394fs)

Gene: RYR1 (ryanodine receptor 1; plus strand). Cytogenetic location: 19q13.2.
Variant type: Deletion.
Coding change: c.10180_10189del on transcript NM_000540.3 (MANE Select); coding-DNA positions 10180 to 10189, 10 bases deleted (GTGCGGGACG; older notation c.10180_10189delGTGCGGGACG).
Protein change: p.Val3394fs; shifts the reading frame from valine 3394.
Molecular consequence: frameshift variant.
Genome position (GRCh38, 1-based): chr19:38,519,375-38,519,384, GTGCGGGACG deleted; deleting any 10 consecutive bases within chr19:38,519,374-38,519,384 gives the same sequence; the c. name uses the placement nearest the transcript's 3' end. VCF-style (leftmost placement, unchanged base first): chr19-38519373-TGGTGCGGGAC-T. GRCh37 (hg19) VCF-style: chr19-39010013-TGGTGCGGGAC-T.
Other names: c.10180_10189del, p.Val3394fs (NM_001042723.2); short protein forms V3394fs.
Identifiers: ClinVar variation 3385522 (VCV003385522.2).